The following is an entry in ClinVar:

ClinVar aggregate classification (germline): Uncertain significance. Review status: criteria provided, multiple submitters, no conflicts (2 of 4 stars). 2 submissions from 2 submitters: Uncertain significance (2). Last evaluated 2024-08-12.

Conditions:
Inborn genetic diseases. Identifiers: MedGen C0950123, MeSH D030342.
Combined oxidative phosphorylation defect type 17. Also called: Combined oxidative phosphorylation deficiency 17. Identifiers: Orphanet 369913, MedGen C3809526, MONDO:0014190, OMIM 615440.

Allele frequency attached by ClinVar (database versions not stated): TOPMed 0.00001; gnomAD 0.00003.
gnomAD v4.1: 14 of 1,613,854 alleles (0.00087%); highest among the groups gnomAD compares: African/African-American, 0.0027%; no homozygotes.

Submissions (2):

Labcorp Genetics (formerly Invitae), Labcorp
Classification: Uncertain significance for Combined oxidative phosphorylation defect type 17. Last evaluated: 2024-08-12. Review status: criteria provided, single submitter. Criteria: Invitae Variant Classification Sherloc (09022015). Collection method: clinical testing. Allele origin: germline.
Comment: This sequence change replaces arginine, which is basic and polar, with glycine, which is neutral and non-polar, at codon 166 of the ELAC2 protein (p.Arg166Gly). This variant is present in population databases (no rsID available, gnomAD 0.01%). This variant has not been reported in the literature in individuals affected with ELAC2-related conditions. ClinVar contains an entry for this variant (Variation ID: 2171946). Advanced modeling of protein sequence and biophysical properties (such as structural, functional, and spatial information, amino acid conservation, physicochemical variation, residue mobility, and thermodynamic stability) performed at Invitae indicates that this missense variant is expected to disrupt ELAC2 protein function with a positive predictive value of 80%. In summary, the available evidence is currently insufficient to determine the role of this variant in disease. Therefore, it has been classified as a Variant of Uncertain Significance.

Ambry Genetics
Classification: Uncertain significance for Inborn genetic diseases. Last evaluated: 2024-06-05. Review status: criteria provided, single submitter. Criteria: Ambry Variant Classification Scheme 2023. Collection method: clinical testing. Allele origin: germline.

NM_018127.7(ELAC2):c.496C>G (p.Arg166Gly)

Gene: ELAC2 (elaC ribonuclease Z 2; minus strand). Cytogenetic location: 17p12.
Variant type: single nucleotide variant.
Coding change: c.496C>G on transcript NM_018127.7 (MANE Select); coding-DNA position 496, C replaced by G.
Protein change: p.Arg166Gly; replaces arginine 166 with glycine.
Molecular consequence: missense variant.
Genome position (GRCh38, 1-based): chr17:13,013,270, G>C on the plus strand (C>G on the coding strand, the complement: ELAC2 is on the minus strand). VCF-style: chr17-13013270-G-C. GRCh37 (hg19) VCF-style: chr17-12916587-G-C.
Other names: c.496C>G, p.Arg166Gly (NM_001165962.2, NM_173717.2); c.496C>G (NM_018127.6); short protein forms R166G.
Identifiers: ClinVar variation 2171946 (VCV002171946.3), dbSNP rs766783415, ClinGen allele CA398217792.